The following is an entry in ClinVar:

ClinVar aggregate classification (germline): Likely pathogenic. Review status: criteria provided, multiple submitters, no conflicts (2 of 4 stars). 2 submissions from 2 submitters: Likely pathogenic (2). Last evaluated 2025-07-25.

Conditions:
Aland island eye disease (AIED). Also called: Forsius Eriksson type ocular albinism. Identifiers: Orphanet 178333, MedGen C0268505, MONDO:0010371, OMIM 300600.
CACNA1F-related disorder. Also called: CACNA1F-related condition.

Submissions (2):

PreventionGenetics, part of Exact Sciences
Classification: Likely pathogenic for CACNA1F-related condition. Last evaluated: 2025-07-25. Review status: criteria provided, single submitter. Criteria: ACMG Guidelines, 2015. Collection method: clinical testing. Allele origin: germline.
Comment: The CACNA1F c.4223_4224delAA variant is predicted to result in a frameshift and premature protein termination (p.Glu1408Glyfs*6). To our knowledge, this variant has not been reported in the literature or in a large population database (gnomAD), indicating this variant is rare. Frameshift variants in CACNA1F are expected to be pathogenic. This variant is interpreted as likely pathogenic.

CENTOGENE GmbH and LLC - Guiding Precision Medicine
Classification: Likely pathogenic for Aland island eye disease. Last evaluated: 2020-04-30. Review status: criteria provided, single submitter. Criteria: ACMG Guidelines, 2015. Collection method: clinical testing. Allele origin: germline. Affected: yes.

NM_001256789.3(CACNA1F):c.4190_4191del (p.Glu1397fs)

Gene: CACNA1F (calcium voltage-gated channel subunit alpha1 F; minus strand). Cytogenetic location: Xp11.23.
Variant type: Deletion.
Coding change: c.4190_4191del on transcript NM_001256789.3 (MANE Select); coding-DNA positions 4190 to 4191, 2 bases deleted (AA; older notation c.4190_4191delAA).
Protein change: p.Glu1397fs; shifts the reading frame from glutamic acid 1397.
Molecular consequence: frameshift variant.
Genome position (GRCh38, 1-based): chrX:49,211,391-49,211,392, TT deleted on the plus strand (AA on the coding strand, the reverse complement: CACNA1F is on the minus strand). VCF-style (leftmost placement, unchanged base first): chrX-49211390-CTT-C. GRCh37 (hg19) VCF-style: chrX-49067850-CTT-C.
Other names: c.4223_4224delAA (NM_005183.3); c.4028_4029del, p.Glu1343fs (NM_001256790.3); c.4223_4224del, p.Glu1408fs (NM_005183.4); short protein forms E1343fs, E1397fs, E1408fs.
Identifiers: ClinVar variation 1333936 (VCV001333936.2), dbSNP rs2147897090, ClinGen allele CA2573055352.